The following is an entry in ClinVar:

NM_138393.4(REEP6):c.103dup (p.Tyr35fs)

Genes: REEP6 (receptor accessory protein 6; plus strand), LOC130062963 (ATAC-STARR-seq lymphoblastoid silent region 9724; plus strand). Cytogenetic location: 19p13.3.
Variant type: Duplication.
Coding change: c.103dup on transcript NM_138393.4 (MANE Select); coding-DNA position 103, one base duplicated (T; older notation c.103dupT).
Protein change: p.Tyr35fs; shifts the reading frame from tyrosine 35.
Molecular consequence: frameshift variant.
Genome position (GRCh38, 1-based): chr19:1,491,372, T duplicated. VCF-style (leftmost placement, unchanged base first): chr19-1491371-G-GT. GRCh37 (hg19) VCF-style: chr19-1491370-G-GT.
Other names: c.103dup, p.Tyr35fs (NM_001329556.3); short protein forms Y35fs.
Identifiers: ClinVar variation 5018510 (VCV005018510.3).

ClinVar aggregate classification (germline): Likely pathogenic (1 of 4 stars; one submission).

Conditions:
Retinitis pigmentosa 77 (RP77). Identifiers: MedGen C4310626, MONDO:0015013, OMIM 617304.

Submission:

Juno Genomics, Hangzhou Juno Genomics, Inc
Classification: Likely pathogenic for Retinitis pigmentosa 77. Review status: criteria provided, single submitter. Criteria: ACMG Guidelines, 2015. Collection method: clinical testing. Allele origin: germline.
Comment: Absent from controls (or at extremely low frequency if recessive) in Genome Aggregation Database.;Null variant in a gene where loss of function (LOF) is a known mechanism of disease.